The following is an entry in ClinVar:

ClinVar aggregate classification (germline): Benign. Review status: criteria provided, multiple submitters, no conflicts (2 of 4 stars). 3 submissions from 3 submitters: Benign (2). 1 of the submissions does not count toward it. Last evaluated 2019-12-31.

Conditions:
KDM5B-related disorder. Also called: KDM5B-related condition.

Allele frequency attached by ClinVar (database versions not stated): ESP Exome Variant Server 0.00077; TOPMed 0.00111; gnomAD 0.00181 and 0.00236; gnomAD exomes 0.00264 and 0.00465; ExAC 0.00489; 1000 Genomes Project 30x 0.00562; 1000 Genomes Project 0.00639.
gnomAD v4.1: 4,222 of 1,603,820 alleles (0.26%); highest among the groups gnomAD compares: South Asian, 2.1%; 43 homozygotes.

Submissions (12):

Labcorp Genetics (formerly Invitae), Labcorp
Classification: Benign. Last evaluated: 2019-12-31. Review status: criteria provided, single submitter. Criteria: Invitae Variant Classification Sherloc (09022015). Collection method: clinical testing. Allele origin: germline.

Breakthrough Genomics
Classification: Benign. Review status: criteria provided, single submitter. Criteria: ACMG Guidelines, 2015. Collection method: not provided. Allele origin: germline. Inheritance: Autosomal recessive inheritance. Affected: yes.

PreventionGenetics, part of Exact Sciences
Classification: Benign for KDM5B-related condition. Last evaluated: 2019-06-12. Review status: no assertion criteria provided. Collection method: clinical testing. Allele origin: germline. Not counted in ClinVar's aggregate classification.
Comment: This variant is classified as benign based on ACMG/AMP sequence variant interpretation guidelines (Richards et al. 2015 PMID: 25741868, with internal and published modifications).

Dr. Peter K. Rogan Lab, Western University
No classification provided (evidence only). Condition: Malignant tumor of urinary bladder. Review status: no classification provided. Collection method: in vitro. Allele origin: not applicable. Functional consequence: retained intron. Not counted in ClinVar's aggregate classification.

Dr. Peter K. Rogan Lab, Western University
No classification provided (evidence only). Condition: Familial cancer of breast. Review status: no classification provided. Collection method: in vitro. Allele origin: not applicable. Functional consequence: retained intron. Not counted in ClinVar's aggregate classification.

Dr. Peter K. Rogan Lab, Western University
No classification provided (evidence only). Condition: Colon adenocarcinoma. Review status: no classification provided. Collection method: in vitro. Allele origin: not applicable. Functional consequence: retained intron. Not counted in ClinVar's aggregate classification.

Dr. Peter K. Rogan Lab, Western University
No classification provided (evidence only). Condition: Thyroid cancer, nonmedullary, 1. Review status: no classification provided. Collection method: in vitro. Allele origin: not applicable. Functional consequence: retained intron. Not counted in ClinVar's aggregate classification.

Dr. Peter K. Rogan Lab, Western University
No classification provided (evidence only). Condition: Ovarian serous cystadenocarcinoma. Review status: no classification provided. Collection method: in vitro. Allele origin: not applicable. Functional consequence: retained intron. Not counted in ClinVar's aggregate classification.

Dr. Peter K. Rogan Lab, Western University
No classification provided (evidence only). Condition: Malignant tumor of esophagus. Review status: no classification provided. Collection method: in vitro. Allele origin: not applicable. Functional consequence: retained intron. Not counted in ClinVar's aggregate classification.

Dr. Peter K. Rogan Lab, Western University
No classification provided (evidence only). Condition: Familial pancreatic carcinoma. Review status: no classification provided. Collection method: in vitro. Allele origin: not applicable. Functional consequence: retained intron. Not counted in ClinVar's aggregate classification.

Dr. Peter K. Rogan Lab, Western University
No classification provided (evidence only). Condition: Familial pancreatic carcinoma. Review status: no classification provided. Collection method: in vitro. Allele origin: not applicable. Functional consequence: retained intron. Not counted in ClinVar's aggregate classification.

Dr. Peter K. Rogan Lab, Western University
No classification provided (evidence only). Condition: Ovarian cancer. Review status: no classification provided. Collection method: in vitro. Allele origin: not applicable. Functional consequence: retained intron. Not counted in ClinVar's aggregate classification.

NM_006618.5(KDM5B):c.2198G>A (p.Arg733Gln)

Gene: KDM5B (lysine demethylase 5B; minus strand). Cytogenetic location: 1q32.1.
Variant type: single nucleotide variant.
Coding change: c.2198G>A on transcript NM_006618.5 (MANE Select); coding-DNA position 2198, G replaced by A.
Protein change: p.Arg733Gln; replaces arginine 733 with glutamine.
Molecular consequence: missense variant.
Genome position (GRCh38, 1-based): chr1:202,746,142, C>T on the plus strand (G>A on the coding strand, the complement: KDM5B is on the minus strand). VCF-style: chr1-202746142-C-T. GRCh37 (hg19) VCF-style: chr1-202715270-C-T.
Other names: NC_000001.10:g.202715270C>T; c.2306G>A, p.Arg769Gln (NM_001314042.2); c.2063G>A, p.Arg688Gln (NM_001347591.2); c.2183G>A, p.Arg728Gln (NM_001399817.1); short protein forms R733Q, R769Q, R688Q, R728Q.
Identifiers: ClinVar variation 788084 (VCV000788084.9), dbSNP rs144390145, ClinGen allele CA1334519.